The following is an entry in ClinVar:

ClinVar aggregate classification (germline): Uncertain significance (1 of 4 stars; one submission).

Conditions:
Multiple gastrointestinal atresias. Also called: FAMILIAL INTESTINAL POLYATRESIA SYNDROME; Multiple intestinal atresia. Identifiers: Orphanet 2300, MedGen C0220744, MONDO:0009465.

Allele frequency attached by ClinVar (database versions not stated): TOPMed below 0.00001.
gnomAD v4.1: 1 of 1,613,308 alleles (0.000062%); highest among the groups gnomAD compares: Middle Eastern, 0.017%; no homozygotes.

Submission:

Labcorp Genetics (formerly Invitae), Labcorp
Classification: Uncertain significance for Multiple gastrointestinal atresias. Last evaluated: 2022-07-19. Review status: criteria provided, single submitter. Criteria: Invitae Variant Classification Sherloc (09022015). Collection method: clinical testing. Allele origin: germline.
Comment: This variant is not present in population databases (gnomAD no frequency). In summary, the available evidence is currently insufficient to determine the role of this variant in disease. Therefore, it has been classified as a Variant of Uncertain Significance. Algorithms developed to predict the effect of missense changes on protein structure and function are either unavailable or do not agree on the potential impact of this missense change (SIFT: "Tolerated"; PolyPhen-2: "Probably Damaging"; Align-GVGD: "Class C0"). ClinVar contains an entry for this variant (Variation ID: 1463284). This variant has not been reported in the literature in individuals affected with TTC7A-related conditions. This sequence change replaces glutamic acid, which is acidic and polar, with aspartic acid, which is acidic and polar, at codon 439 of the TTC7A protein (p.Glu439Asp).

NM_020458.4(TTC7A):c.1317G>C (p.Glu439Asp)

Gene: TTC7A (tetratricopeptide repeat domain 7A; plus strand). Cytogenetic location: 2p21.
Variant type: single nucleotide variant.
Coding change: c.1317G>C on transcript NM_020458.4 (MANE Select); coding-DNA position 1317, G replaced by C.
Protein change: p.Glu439Asp; replaces glutamic acid 439 with aspartic acid.
Molecular consequence: missense variant.
Genome position (GRCh38, 1-based): chr2:47,011,360, G>C. VCF-style: chr2-47011360-G-C. GRCh37 (hg19) VCF-style: chr2-47238499-G-C.
Other names: c.1317G>C, p.Glu439Asp (NM_001288951.2); c.1215G>C, p.Glu405Asp (NM_001288953.2); c.255G>C, p.Glu85Asp (NM_001288955.2); short protein forms E405D, E439D, E85D.
Identifiers: ClinVar variation 1463284 (VCV001463284.6), dbSNP rs991295194, ClinGen allele CA46624941.
Genomic context (GRCh38, chr2:47,011,360, plus strand): 5'-TGACAGTGTTTCCTGCTCTTTTTTTCTGCAGTCAGCCTACGCTGTGTCCCTGCTGCGGGA[G>C]TGTGTGAAGTTGCGGCCCTCGGACCCCACCGTGCCCCTGATGGCCGCGAAGGTCTGCATC-3'
Protein context (NP_065191.2, residues 429-449): KSAYAVSLLR[Glu439Asp]CVKLRPSDPT